The following is an entry in ClinVar:

NM_001082486.2(ACD):c.108G>C (p.Gln36His)

Gene: ACD (ACD shelterin complex subunit and telomerase recruitment factor; minus strand). Cytogenetic location: 16q22.1.
Variant type: single nucleotide variant.
Coding change: c.108G>C on transcript NM_001082486.2 (MANE Select); coding-DNA position 108, G replaced by C.
Protein change: p.Gln36His; replaces glutamine 36 with histidine.
Molecular consequence: missense variant. On other transcripts: splice acceptor variant (1).
Genome position (GRCh38, 1-based): chr16:67,660,037, C>G on the plus strand (G>C on the coding strand, the complement: ACD is on the minus strand). VCF-style: chr16-67660037-C-G. GRCh37 (hg19) VCF-style: chr16-67693940-C-G.
Other names: c.108G>C, p.Gln36His (NM_001410884.1); c.100-1G>C (NM_022914.3); short protein forms Q36H.
Identifiers: ClinVar variation 2452437 (VCV002452437.2), dbSNP rs2543610744, ClinGen allele CA396358023.
Genomic context (GRCh38, chr16:67,660,037, plus strand): 5'-GGCCCCGACGTCGGACGTATCAGGGGCGTGGGATGGGCCCGCGACCGCGGCCTCGGCGTC[C>G]TGTAGTACCTGACGGCGGCGAGCGGCGTCAATCCCACCACCCCGGGCCTCCGCCTCGGTC-3'
Protein context (NP_001075955.2, residues 26-46): PRAGQLLEVL[Gln36His]DAEAAVAGPS

ClinVar aggregate classification (germline): Uncertain significance (1 of 4 stars; one submission).

Conditions:
Inborn genetic diseases. Identifiers: MedGen C0950123, MeSH D030342.

Submission:

Ambry Genetics
Classification: Uncertain significance for Inborn genetic diseases. Last evaluated: 2022-12-01. Review status: criteria provided, single submitter. Criteria: Ambry Variant Classification Scheme 2023. Collection method: clinical testing. Allele origin: germline.
Comment: The p.Q122H variant (also known as c.366G>C), located in coding exon 2 of the ACD gene, results from a G to C substitution at nucleotide position 366. The glutamine at codon 122 is replaced by histidine, an amino acid with highly similar properties. This amino acid position is conserved. In addition, the in silico prediction for this alteration is inconclusive. Since supporting evidence is limited at this time, the clinical significance of this alteration remains unclear.